The following is an entry in ClinVar:

ClinVar aggregate classification (germline): Uncertain significance. Review status: criteria provided, multiple submitters, no conflicts (2 of 4 stars). 4 submissions from 4 submitters: Uncertain significance (4). Last evaluated 2026-08-19.

Conditions:
Meckel-Gruber syndrome. Also called: DYSENCEPHALIA SPLANCHNOCYSTICA; GRUBER SYNDROME; Dysencephalia splachnocystica. Identifiers: Orphanet 564, MedGen C0265215, MONDO:0018921.
Joubert syndrome. Also called: Familial aplasia of the vermis; JOUBERT-BOLTSHAUSER SYNDROME. Identifiers: Orphanet 475, MedGen C5979921, MONDO:0018772.
Inborn genetic diseases. Identifiers: MedGen C0950123, MeSH D030342.
RPGRIP1L-related disorder. Also called: RPGRIP1L-related disorders; RPGRIP1L-related condition. Identifiers: MedGen CN239416.

Allele frequency attached by ClinVar (database versions not stated): gnomAD 0.00001; TOPMed 0.00002.
gnomAD v4.1: 37 of 1,613,854 alleles (0.0023%); highest among the groups gnomAD compares: Non-Finnish European, 0.0028%; no homozygotes.

Submissions (4):

PreventionGenetics, part of Exact Sciences
Classification: Uncertain significance for RPGRIP1L-related condition. Last evaluated: 2026-08-19. Review status: criteria provided, single submitter. Criteria: ACMG Guidelines, 2015. Collection method: clinical testing. Allele origin: germline.
Comment: The RPGRIP1L c.116G>A variant is predicted to result in the amino acid substitution p.Arg39His. To our knowledge, this variant has not been reported in the literature. This variant is reported in 0.0018% of alleles in individuals of European (Non-Finnish) descent in gnomAD. At this time, the clinical significance of this variant is uncertain due to the absence of conclusive functional and genetic evidence.

Ambry Genetics
Classification: Uncertain significance for Inborn genetic diseases. Last evaluated: 2023-09-12. Review status: criteria provided, single submitter. Criteria: Ambry Variant Classification Scheme 2023. Collection method: clinical testing. Allele origin: germline.

Labcorp Genetics (formerly Invitae), Labcorp
Classification: Uncertain significance for Joubert syndrome; Meckel-Gruber syndrome. Last evaluated: 2021-10-27. Review status: criteria provided, single submitter. Criteria: Invitae Variant Classification Sherloc (09022015). Collection method: clinical testing. Allele origin: germline.
Comment: This sequence change replaces arginine, which is basic and polar, with histidine, which is basic and polar, at codon 39 of the RPGRIP1L protein (p.Arg39His). This variant is present in population databases (no rsID available, gnomAD 0.002%). This variant has not been reported in the literature in individuals affected with RPGRIP1L-related conditions. ClinVar contains an entry for this variant (Variation ID: 282224). Algorithms developed to predict the effect of missense changes on protein structure and function output the following: SIFT: "Deleterious"; PolyPhen-2: "Benign"; Align-GVGD: "Class C25". The histidine amino acid residue is found in multiple mammalian species, which suggests that this missense change does not adversely affect protein function. In summary, the available evidence is currently insufficient to determine the role of this variant in disease. Therefore, it has been classified as a Variant of Uncertain Significance.

Eurofins Ntd Llc (ga)
Classification: Uncertain significance. Last evaluated: 2015-08-07. Review status: criteria provided, single submitter. Criteria: EGL Classification Definitions 2015. Collection method: clinical testing. Allele origin: germline. Observed: 1 variant allele, 1 heterozygote.

NM_015272.5(RPGRIP1L):c.116G>A (p.Arg39His)

Gene: RPGRIP1L (RPGRIP1 like; minus strand). Cytogenetic location: 16q12.2.
Variant type: single nucleotide variant.
Coding change: c.116G>A on transcript NM_015272.5 (MANE Select); coding-DNA position 116, G replaced by A.
Protein change: p.Arg39His; replaces arginine 39 with histidine.
Molecular consequence: missense variant.
Genome position (GRCh38, 1-based): chr16:53,696,265, C>T on the plus strand (G>A on the coding strand, the complement: RPGRIP1L is on the minus strand). VCF-style: chr16-53696265-C-T. GRCh37 (hg19) VCF-style: chr16-53730177-C-T.
Other names: c.116G>A (NM_015272.4, NM_015272.2); c.116G>A, p.Arg39His (NM_001127897.4, NM_001308334.3, NM_001328422.2 and 2 more transcripts); short protein forms R39H.
Identifiers: ClinVar variation 282224 (VCV000282224.10), dbSNP rs886042345, ClinGen allele CA10604109.